The following is an entry in ClinVar:

NM_002541.4(OGDH):c.2422G>A (p.Val808Ile)

Gene: OGDH (oxoglutarate dehydrogenase; plus strand). Cytogenetic location: 7p13.
Variant type: single nucleotide variant.
Coding change: c.2422G>A on transcript NM_002541.4 (MANE Select); coding-DNA position 2422, G replaced by A.
Protein change: p.Val808Ile; replaces valine 808 with isoleucine.
Molecular consequence: missense variant.
Genome position (GRCh38, 1-based): chr7:44,698,255, G>A. VCF-style: chr7-44698255-G-A. GRCh37 (hg19) VCF-style: chr7-44737854-G-A.
Other names: c.2410G>A, p.Val804Ile (NM_001165036.2); c.2455G>A, p.Val819Ile (NM_001363523.2); short protein forms V808I, V804I, V819I.
Identifiers: ClinVar variation 1029459 (VCV001029459.8), dbSNP rs755735126, ClinGen allele CA4244087.

ClinVar aggregate classification (germline): Uncertain significance. Review status: criteria provided, multiple submitters, no conflicts (2 of 4 stars). 4 submissions from 4 submitters: Uncertain significance (4). Last evaluated 2024-09-06.

Conditions:
Oxoglutaricaciduria. Identifiers: Orphanet 31, MedGen C2752074, MONDO:0008759, OMIM 203740.

Allele frequency attached by ClinVar (database versions not stated): ExAC 0.00001; gnomAD 0.00001; gnomAD exomes 0.00003; TOPMed 0.00003.
gnomAD v4.1: 46 of 1,614,032 alleles (0.0029%); highest among the groups gnomAD compares: Middle Eastern, 0.42%; no homozygotes.

Submissions (4):

Labcorp Genetics (formerly Invitae), Labcorp
Classification: Uncertain significance for Oxoglutaricaciduria. Last evaluated: 2024-09-06. Review status: criteria provided, single submitter. Criteria: Invitae Variant Classification Sherloc (09022015). Collection method: clinical testing. Allele origin: germline.
Comment: This sequence change replaces valine, which is neutral and non-polar, with isoleucine, which is neutral and non-polar, at codon 808 of the OGDH protein (p.Val808Ile). This variant is present in population databases (rs755735126, gnomAD 0.006%). This variant has not been reported in the literature in individuals affected with OGDH-related conditions. ClinVar contains an entry for this variant (Variation ID: 1029459). An algorithm developed to predict the effect of missense changes on protein structure and function (PolyPhen-2) suggests that this variant is likely to be tolerated. In summary, the available evidence is currently insufficient to determine the role of this variant in disease. Therefore, it has been classified as a Variant of Uncertain Significance.

Ambry Genetics
Classification: Uncertain significance. Last evaluated: 2023-06-02. Review status: criteria provided, single submitter. Criteria: Ambry Variant Classification Scheme 2023. Collection method: clinical testing. Allele origin: germline.

Baylor Genetics
Classification: Uncertain significance for Oxoglutaricaciduria. Last evaluated: 2020-05-05. Review status: criteria provided, single submitter. Criteria: ACMG Guidelines, 2015. Collection method: clinical testing. Allele origin: unknown. Affected: yes.
Comment: This variant was determined to be of uncertain significance according to ACMG Guidelines, 2015 [PMID:25741868].

Breakthrough Genomics
Classification: Uncertain significance. Review status: criteria provided, single submitter. Criteria: ACMG Guidelines, 2015. Collection method: not provided. Allele origin: germline. Inheritance: Autosomal recessive inheritance. Affected: yes.